The following is an entry in ClinVar:

NM_017654.4(SAMD9):c.4724G>A (p.Gly1575Glu)

Gene: SAMD9 (sterile alpha motif domain containing 9; minus strand). Cytogenetic location: 7q21.2.
Variant type: single nucleotide variant.
Coding change: c.4724G>A on transcript NM_017654.4 (MANE Select); coding-DNA position 4724, G replaced by A.
Protein change: p.Gly1575Glu; replaces glycine 1575 with glutamic acid.
Molecular consequence: missense variant.
Genome position (GRCh38, 1-based): chr7:93,101,374, C>T on the plus strand (G>A on the coding strand, the complement: SAMD9 is on the minus strand). VCF-style: chr7-93101374-C-T. GRCh37 (hg19) VCF-style: chr7-92730687-C-T.
Other names: c.4724G>A, p.Gly1575Glu (NM_001193307.2); short protein forms G1575E.
Identifiers: ClinVar variation 709973 (VCV000709973.33), dbSNP rs148724199, ClinGen allele CA4342506.

ClinVar aggregate classification (germline): Conflicting classifications of pathogenicity. Review status: criteria provided, conflicting classifications (1 of 4 stars). 10 submissions from 10 submitters: Uncertain significance (3); Likely benign (4). 3 of the submissions do not count toward it. Last evaluated 2026-02-01.

Conditions:
SAMD9-related disorder. Also called: SAMD9-related condition.
MIRAGE syndrome. Also called: MYELODYSPLASIA, INFECTION, RESTRICTION OF GROWTH, ADRENAL HYPOPLASIA, GENITAL PHENOTYPES, AND ENTEROPATHY. Identifiers: Orphanet 494433, MedGen C4284088, MONDO:0014888, OMIM 617053.
Normophosphatemic familial tumoral calcinosis. Also called: CALCINOSIS, TUMORAL, WITH NORMOPHOSPHATEMIA. Identifiers: Orphanet 306658, Orphanet 53715, MedGen C1864861, MONDO:0012502, OMIM 610455.
Monosomy 7 myelodysplasia and leukemia syndrome 2. Identifiers: MedGen C5436668, MONDO:0030801, OMIM 619041.

Allele frequency attached by ClinVar (database versions not stated): ESP Exome Variant Server 0.00062; TOPMed 0.00070; gnomAD 0.00123 and 0.00129; ExAC 0.00163; gnomAD exomes 0.00166 and 0.00175.
gnomAD v4.1: 2,705 of 1,613,358 alleles (0.17%); highest among the groups gnomAD compares: Non-Finnish European, 0.18%; 3 homozygotes.

Submissions (10):

Labcorp Genetics (formerly Invitae), Labcorp
Classification: Likely benign. Last evaluated: 2026-02-01. Review status: criteria provided, single submitter. Criteria: Invitae Variant Classification Sherloc (09022015). Collection method: clinical testing. Allele origin: germline.

CeGaT Center for Human Genetics Tuebingen
Classification: Likely benign. Last evaluated: 2025-11-01. Review status: criteria provided, single submitter. Criteria: CeGaT Center For Human Genetics Tuebingen Variant Classification Criteria Version 2. Collection method: clinical testing. Allele origin: germline. Affected: yes. Observed: 1 variant allele.
Comment: SAMD9: BS1

GeneDx
Classification: Uncertain significance. Last evaluated: 2024-12-05. Review status: criteria provided, single submitter. Criteria: GeneDx Variant Classification Process June 2021. Collection method: clinical testing. Allele origin: germline. Affected: yes.
Comment: In silico analysis supports that this missense variant has a deleterious effect on protein structure/function; Has not been previously published as pathogenic or benign to our knowledge; This variant is associated with the following publications: (PMID: 28545555)

Blueprint Genetics
Classification: Likely benign. Last evaluated: 2024-11-25. Review status: criteria provided, single submitter. Criteria: ACMG Guidelines, 2015. Collection method: clinical testing. Allele origin: germline.

ARUP Laboratories, Molecular Genetics and Genomics, ARUP Laboratories
Classification: Likely benign. Last evaluated: 2024-05-15. Review status: criteria provided, single submitter. Criteria: ARUP Molecular Germline Variant Investigation Process 2024. Collection method: clinical testing. Allele origin: germline.

Genetic Services Laboratory, University of Chicago
Classification: Uncertain significance. Last evaluated: 2021-08-24. Review status: criteria provided, single submitter. Criteria: ACMG Guidelines, 2015. Collection method: clinical testing. Allele origin: germline. Affected: no.
Comment: DNA sequence analysis of the SAMD9 gene demonstrated a sequence change, c.4724G>A, in exon 3 that results in an amino acid change, p.Gly1575Glu. This sequence change does not appear to have been previously described in patients with SAMD9-related disorders. This sequence change has been described in the gnomAD database with a population frequency of 0.83% in the Finnish subpopulation (dbSNP rs148724199). The p.Gly1575Glu change affects a moderately conserved amino acid residue located in a domain of the SAMD9 protein that is not known to be functional. In-silico pathogenicity prediction tools (SIFT, PolyPhen2, Align GVGD, REVEL) provide contradictory results for the p.Gly1575Glu substitution. Due to this insufficient evidence and the lack of functional studies, the clinical significance of the p.Gly1575Glu change remains unknown at this time.

Department of Pathology and Laboratory Medicine, Sinai Health System
Classification: Uncertain significance for Normophosphatemic familial tumoral calcinosis; MIRAGE syndrome; Monosomy 7 myelodysplasia and leukemia syndrome 2. Last evaluated: 2020-05-25. Review status: criteria provided, single submitter. Criteria: ACMG Guidelines, 2015. Collection method: research. Allele origin: germline.

PreventionGenetics, part of Exact Sciences
Classification: Benign for SAMD9-related condition. Last evaluated: 2019-08-19. Review status: no assertion criteria provided. Collection method: clinical testing. Allele origin: germline. Not counted in ClinVar's aggregate classification.
Comment: This variant is classified as benign based on ACMG/AMP sequence variant interpretation guidelines (Richards et al. 2015 PMID: 25741868, with internal and published modifications).

Clinical Genetics DNA and cytogenetics Diagnostics Lab, Erasmus MC, Erasmus Medical Center
Classification: Uncertain significance. Review status: no assertion criteria provided. Collection method: clinical testing. Allele origin: germline. Affected: yes. Study: VKGL Data-share Consensus. Not counted in ClinVar's aggregate classification.

Diagnostic Laboratory, Department of Genetics, University Medical Center Groningen
Classification: Uncertain significance. Review status: no assertion criteria provided. Collection method: clinical testing. Allele origin: germline. Affected: yes. Study: VKGL Data-share Consensus. Not counted in ClinVar's aggregate classification.